The following is an entry in ClinVar:

NM_000520.6(HEXA):c.3G>T (p.Met1Ile)

Gene: HEXA (hexosaminidase subunit alpha; minus strand). Cytogenetic location: 15q23.
Variant type: single nucleotide variant.
Coding change: c.3G>T on transcript NM_000520.6 (MANE Select); coding-DNA position 3, G replaced by T.
Protein change: p.Met1Ile; changes the start codon (methionine 1).
Molecular consequence: missense variant, initiator codon variant. On other transcripts: non-coding transcript variant (1).
Genome position (GRCh38, 1-based): chr15:72,375,970, C>A on the plus strand (G>T on the coding strand, the complement: HEXA is on the minus strand). VCF-style: chr15-72375970-C-A. GRCh37 (hg19) VCF-style: chr15-72668311-C-A.
Other names: c.3G>T, p.Met1Ile (NM_001318825.2); short protein forms M1I.
Identifiers: ClinVar variation 2829890 (VCV002829890.3), dbSNP rs1595816410, ClinGen allele CA393070905.

ClinVar aggregate classification (germline): Pathogenic (1 of 4 stars; one submission).

Conditions:
Tay-Sachs disease (TSD). Also called: HEXA DEFICIENCY; GM2 gangliosidosis, type 1; Hexosaminidase alpha-subunit deficiency (variant B); Sphingolipidosis, Tay-Sachs; Hexosaminidase A Deficiency; HEXA Disorders. Identifiers: Orphanet 845, MedGen C0039373, MONDO:0010100, OMIM 272800.

Allele frequency attached by ClinVar (database versions not stated): TOPMed below 0.00001.

Submission:

Labcorp Genetics (formerly Invitae), Labcorp
Classification: Pathogenic for Tay-Sachs disease. Last evaluated: 2023-08-03. Review status: criteria provided, single submitter. Criteria: Invitae Variant Classification Sherloc (09022015). Collection method: clinical testing. Allele origin: germline.
Comment: This sequence change affects the initiator methionine of the HEXA mRNA. The next in-frame methionine is located at codon 193. This variant is not present in population databases (gnomAD no frequency). Disruption of the initiator codon has been observed in individual(s) with clinical features of HEXA-related conditions (PMID: 1532289, 15108204, 21796138). This variant disrupts a region of the HEXA protein in which other variant(s) (p.Leu11Pro) have been determined to be pathogenic (PMID: 31242539; Invitae). This suggests that this is a clinically significant region of the protein, and that variants that disrupt it are likely to be disease-causing. For these reasons, this variant has been classified as Pathogenic.

Literature cited by the submitters: PubMed 1532289; PubMed 15108204; PubMed 21796138; PubMed 31242539.